The following is an entry in ClinVar:

NM_022168.4(IFIH1):c.557G>C (p.Arg186Pro)

Gene: IFIH1 (interferon induced with helicase C domain 1; minus strand). Cytogenetic location: 2q24.2.
Variant type: single nucleotide variant.
Coding change: c.557G>C on transcript NM_022168.4 (MANE Select); coding-DNA position 557, G replaced by C.
Protein change: p.Arg186Pro; replaces arginine 186 with proline.
Molecular consequence: missense variant.
Genome position (GRCh38, 1-based): chr2:162,310,830, C>G on the plus strand (G>C on the coding strand, the complement: IFIH1 is on the minus strand). VCF-style: chr2-162310830-C-G. GRCh37 (hg19) VCF-style: chr2-163167340-C-G.
Other names: short protein forms R186P.
Identifiers: ClinVar variation 960982 (VCV000960982.10), dbSNP rs189443152, ClinGen allele CA1934779.

ClinVar aggregate classification (germline): Uncertain significance. Review status: criteria provided, multiple submitters, no conflicts (2 of 4 stars). 2 submissions from 2 submitters: Uncertain significance (2). Last evaluated 2026-01-09.

Conditions:
Aicardi-Goutieres syndrome 7 (AGS7). Identifiers: Orphanet 51, MedGen C3888244, MONDO:0014367, OMIM 615846.
Singleton-Merten syndrome 1 (SGMRT1). Also called: Widened medullary cavities of bone, aortic calcification, abnormal dentition, and muscular weakness; Syndrome of widened medullary cavities of the metacarpals and phalanges, aortic calcification and abnormal dentition. Identifiers: Orphanet 85191, MedGen C4225427, MONDO:0024535, OMIM 182250.
IFIH1-related disorder. Also called: IFIH1-related condition.

Allele frequency attached by ClinVar (database versions not stated): TOPMed 0.00002.
gnomAD v4.1: 23 of 1,613,676 alleles (0.0014%); highest among the groups gnomAD compares: Non-Finnish European, 0.0019%; no homozygotes.

Submissions (2):

Labcorp Genetics (formerly Invitae), Labcorp
Classification: Uncertain significance for Aicardi-Goutieres syndrome 7; Singleton-Merten syndrome 1. Last evaluated: 2026-01-09. Review status: criteria provided, single submitter. Criteria: Invitae Variant Classification Sherloc (09022015). Collection method: clinical testing. Allele origin: germline.
Comment: This sequence change replaces arginine, which is basic and polar, with proline, which is neutral and non-polar, at codon 186 of the IFIH1 protein (p.Arg186Pro). This variant is present in population databases (rs189443152, gnomAD 0.004%). This variant has not been reported in the literature in individuals affected with IFIH1-related conditions. ClinVar contains an entry for this variant (Variation ID: 960982). Invitae Evidence Modeling of protein sequence and biophysical properties (such as structural, functional, and spatial information, amino acid conservation, physicochemical variation, residue mobility, and thermodynamic stability) has been performed for this missense variant. However, the output from this modeling did not meet the statistical confidence thresholds required to predict the impact of this variant on IFIH1 protein function. In summary, the available evidence is currently insufficient to determine the role of this variant in disease. Therefore, it has been classified as a Variant of Uncertain Significance.

PreventionGenetics, part of Exact Sciences
Classification: Uncertain significance for IFIH1-related condition. Last evaluated: 2023-04-05. Review status: criteria provided, single submitter. Criteria: ACMG Guidelines, 2015. Collection method: clinical testing. Allele origin: germline.
Comment: The IFIH1 c.557G>C variant is predicted to result in the amino acid substitution p.Arg186Pro. To our knowledge, this variant has not been reported in the literature. This variant is reported in 0.0044% of alleles in individuals of European (Non-Finnish) descent in gnomAD. At this time, the clinical significance of this variant is uncertain due to the absence of conclusive functional and genetic evidence.